The following is an entry in ClinVar:

NM_001388367.1(NBPF9):c.1117C>T (p.Gln373Ter)

Gene: NBPF9 (NBPF member 9; minus strand). Cytogenetic location: 1q21.2.
Variant type: single nucleotide variant.
Coding change: c.1117C>T on transcript NM_001388367.1 (MANE Select); coding-DNA position 1117, C replaced by T.
Protein change: p.Gln373Ter; replaces glutamine 373 with a stop codon.
Molecular consequence: nonsense.
Genome position (GRCh38, 1-based): chr1:149,072,907, G>A on the plus strand (C>T on the coding strand, the complement: NBPF9 is on the minus strand). VCF-style: chr1-149072907-G-A. GRCh37 (hg19) VCF-style: chr1-144814705-C-T.
Other names: c.1117C>T, p.Gln373Ter (NM_001037675.4, NM_001277444.2, NM_001388366.1 and 16 more transcripts); short protein forms Q373*.
Identifiers: ClinVar variation 2639062 (VCV002639062.24), dbSNP rs201767679, ClinGen allele CA342447372.
Genomic context (GRCh38, chr1:149,072,907, plus strand): 5'-AGCGGGAGGCATCTCTCCCTTCCCGCAACTTCTCCCTTAACTGGGTCAGCTCTCGTTCCT[G>A]AGCGTGAACCAGGACTTTATATTGCCTAAGGTGAGATGGTAGAGAAAAATTAAGAGTGGA-3'

ClinVar aggregate classification (germline): Likely benign (1 of 4 stars; one submission).

Allele frequency attached by ClinVar (database versions not stated): 1000 Genomes Project 0.00080; 1000 Genomes Project 30x 0.00094; ExAC 0.00347; gnomAD 0.00364; TOPMed 0.00387; ESP Exome Variant Server 0.00439.

Submission:

CeGaT Center for Human Genetics Tuebingen
Classification: Likely benign. Last evaluated: 2024-05-01. Review status: criteria provided, single submitter. Criteria: CeGaT Center For Human Genetics Tuebingen Variant Classification Criteria Version 2. Collection method: clinical testing. Allele origin: germline. Affected: yes. Observed: 3 variant alleles.
Comment: NBPF9: BS2